The following is an entry in ClinVar:

ClinVar aggregate classification (germline): Pathogenic/Likely pathogenic. Review status: criteria provided, multiple submitters, no conflicts (2 of 4 stars). 4 submissions from 4 submitters: Pathogenic (1); Likely pathogenic (3). Last evaluated 2025-12-30.

Conditions:
TYR-related disorder. Also called: TYR-related condition.
Oculocutaneous albinism type 1A (OCA1A). Also called: Albinism, oculocutaneous, type IA. Identifiers: Orphanet 352731, Orphanet 79431, MedGen C4551504, MONDO:0008745, OMIM 203100. Disease mechanism: loss of function.
Oculocutaneous albinism type 1B (OCA1B). Also called: ALBINISM, YELLOW MUTANT TYPE; YELLOW ALBINISM; ALBINISM, OCULOCUTANEOUS, TYPE IB. Identifiers: Orphanet 352731, Orphanet 352737, Orphanet 79434, MedGen C1847024, MONDO:0011749, OMIM 606952.
SKIN/HAIR/EYE PIGMENTATION 3, LIGHT/DARK SKIN (SHEP3). Also called: SKIN/HAIR/EYE PIGMENTATION, VARIATION IN, 3; SKIN/HAIR/EYE PIGMENTATION 3, BLUE/GREEN EYE COLOR; SKIN/HAIR/EYE PIGMENTATION 3, FRECKLING; EYE COLOR 1; EYE COLOR, GREEN/BLUE. Identifiers: MedGen C2677190, OMIM 601800.
Oculocutaneous albinism. Identifiers: Orphanet 55, MedGen C0078918, MONDO:0018910.

Allele frequency attached by ClinVar (database versions not stated): gnomAD 0.00001; TOPMed 0.00001; ExAC 0.00002; gnomAD exomes 0.00002.
gnomAD v4.1: 31 of 1,614,006 alleles (0.0019%); highest among the groups gnomAD compares: Non-Finnish European, 0.0026%; no homozygotes.

Submissions (4):

PreventionGenetics, part of Exact Sciences
Classification: Likely pathogenic for TYR-related condition. Last evaluated: 2025-12-30. Review status: criteria provided, single submitter. Criteria: ACMG Guidelines, 2015. Collection method: clinical testing. Allele origin: germline.
Comment: The TYR c.626C>T variant is predicted to result in the amino acid substitution p.Pro209Leu. This variant has been reported with a second variant in the gene in an individual with oculocutaneous albinism (Hutton et al. 2008. PubMed ID: 18463683); it has also been reported in the heterozygous state in an individual with melanoma (Johansson et al. 2024. PubMed ID: 39315505). An alternate missense change impacting this amino acid position (p.Pro209Arg) has been reported in individuals with oculocutaneous albinism, but no second variant was identified (King et al. 2003. PubMed ID: 13680365) and was shown to impact protein function (Mondal et al. 2016. PubMed ID: 27537549). The c.626C>T, p.Pro209Leu variant is reported in 0.0044% of alleles in individuals of European (Non-Finnish) descent in gnomAD. This variant is interpreted as likely pathogenic.

Women's Health and Genetics/Laboratory Corporation of America, LabCorp
Classification: Likely pathogenic for Oculocutaneous albinism. Last evaluated: 2024-03-08. Review status: criteria provided, single submitter. Criteria: LabCorp Variant Classification Summary - May 2015. Collection method: clinical testing. Allele origin: germline.
Comment: Variant summary: TYR c.626C>T (p.Pro209Leu) results in a non-conservative amino acid change located in the Tyrosinase copper-binding domain (IPR002227) of the encoded protein sequence. Five of five in-silico tools predict a damaging effect of the variant on protein function. The variant allele was found at a frequency of 2e-05 in 251364 control chromosomes. c.626C>T has been reported in the literature as a homozygous or compound heterozygous genotype in at-least three individuals affected with Oculocutaneous Albinism. These data indicate that the variant is likely to be associated with disease. To our knowledge, no experimental evidence demonstrating an impact on protein function has been reported. The following publications have been ascertained in the context of this evaluation (PMID: 25216246, 18463683, 27734839). ClinVar contains an entry for this variant (Variation ID: 1455534). Based on the evidence outlined above, the variant was classified as likely pathogenic.

Fulgent Genetics
Classification: Likely pathogenic for Oculocutaneous albinism type 1A; SKIN/HAIR/EYE PIGMENTATION 3, LIGHT/DARK SKIN; Oculocutaneous albinism type 1B. Last evaluated: 2024-03-07. Review status: criteria provided, single submitter. Criteria: ACMG Guidelines, 2015. Collection method: clinical testing. Allele origin: germline.

Labcorp Genetics (formerly Invitae), Labcorp
Classification: Pathogenic. Last evaluated: 2023-02-05. Review status: criteria provided, single submitter. Criteria: Invitae Variant Classification Sherloc (09022015). Collection method: clinical testing. Allele origin: germline.
Comment: This sequence change replaces proline, which is neutral and non-polar, with leucine, which is neutral and non-polar, at codon 209 of the TYR protein (p.Pro209Leu). This variant is present in population databases (rs746581409, gnomAD 0.004%). This missense change has been observed in individuals with oculocutaneous albinism (PMID: 18463683, 27734839). For these reasons, this variant has been classified as Pathogenic. Advanced modeling of protein sequence and biophysical properties (such as structural, functional, and spatial information, amino acid conservation, physicochemical variation, residue mobility, and thermodynamic stability) performed at Invitae indicates that this missense variant is expected to disrupt TYR protein function. ClinVar contains an entry for this variant (Variation ID: 1455534).

Literature cited by the submitters: PubMed 27734839 (cited by Women's Health and Genetics/Laboratory Corporation of America, LabCorp and Labcorp Genetics (formerly Invitae), Labcorp); PubMed 18463683 (cited by Women's Health and Genetics/Laboratory Corporation of America, LabCorp and Labcorp Genetics (formerly Invitae), Labcorp); PubMed 25216246 (cited by Women's Health and Genetics/Laboratory Corporation of America, LabCorp).

NM_000372.5(TYR):c.626C>T (p.Pro209Leu)

Gene: TYR (tyrosinase; plus strand). Cytogenetic location: 11q14.3.
Variant type: single nucleotide variant.
Coding change: c.626C>T on transcript NM_000372.5 (MANE Select); coding-DNA position 626, C replaced by T.
Protein change: p.Pro209Leu; replaces proline 209 with leucine.
Molecular consequence: missense variant.
Genome position (GRCh38, 1-based): chr11:89,178,579, C>T. VCF-style: chr11-89178579-C-T. GRCh37 (hg19) VCF-style: chr11-88911747-C-T.
Other names: c.626C>T (NM_000372.4); short protein forms P209L.
Identifiers: ClinVar variation 1455534 (VCV001455534.14), dbSNP rs746581409, ClinGen allele CA6221155.